The following is an entry in ClinVar:

NM_001082486.2(ACD):c.1165A>G (p.Thr389Ala)

Gene: ACD (ACD shelterin complex subunit and telomerase recruitment factor; minus strand). Cytogenetic location: 16q22.1.
Variant type: single nucleotide variant.
Coding change: c.1165A>G on transcript NM_001082486.2 (MANE Select); coding-DNA position 1165, A replaced by G.
Protein change: p.Thr389Ala; replaces threonine 389 with alanine.
Molecular consequence: missense variant.
Genome position (GRCh38, 1-based): chr16:67,658,027, T>C on the plus strand (A>G on the coding strand, the complement: ACD is on the minus strand). VCF-style: chr16-67658027-T-C. GRCh37 (hg19) VCF-style: chr16-67691930-T-C.
Other names: c.1078A>G, p.Thr360Ala (NM_001410884.1); c.1156A>G, p.Thr386Ala (NM_022914.3); short protein forms T386A, T360A, T389A.
Identifiers: ClinVar variation 2586827 (VCV002586827.2), dbSNP rs2543598276, ClinGen allele CA396351760.
Genomic context (GRCh38, chr16:67,658,027, plus strand): 5'-GCAGAGGGGCTATGCTCACCCAGACAGAGCAGGGCTCCTGGGCTCCCCTGGTAGCTCCGG[T>C]CCTGGGAAAAGGCGGCCGATTCTTGCAGGGCAACCCTACAAACTCCTTGAACTCCAGGCT-3'
Protein context (NP_001075955.2, residues 379-399): PCKNRPPFPR[Thr389Ala]GATRGAQEPC

ClinVar aggregate classification (germline): Uncertain significance (1 of 4 stars; one submission).

Conditions:
Inborn genetic diseases. Identifiers: MedGen C0950123, MeSH D030342.

Submission:

Ambry Genetics
Classification: Uncertain significance for Inborn genetic diseases. Last evaluated: 2023-07-30. Review status: criteria provided, single submitter. Criteria: Ambry Variant Classification Scheme 2023. Collection method: clinical testing. Allele origin: germline.
Comment: The p.T475A variant (also known as c.1423A>G), located in coding exon 10 of the ACD gene, results from an A to G substitution at nucleotide position 1423. The threonine at codon 475 is replaced by alanine, an amino acid with similar properties. This amino acid position is conserved. In addition, this alteration is predicted to be tolerated by in silico analysis. Since supporting evidence is limited at this time, the clinical significance of this alteration remains unclear.